The following is an entry in ClinVar:

ClinVar aggregate classification (germline): Likely benign (1 of 4 stars; one submission).

Allele frequency attached by ClinVar (database versions not stated): gnomAD exomes 0.00001.
gnomAD v4.1: 9 of 1,613,914 alleles (0.00056%); highest among the groups gnomAD compares: African/African-American, 0.0013%; no homozygotes.

Submission:

Laboratory for Molecular Medicine, Mass General Brigham Personalized Medicine
Classification: Likely benign. Last evaluated: 2013-11-09. Review status: criteria provided, single submitter. Criteria: LMM Criteria. Collection method: clinical testing. Allele origin: germline. Observed: 1 variant allele.
Comment: 1205+3G>A in Intron 12 of OTOF: This variant is not expected to have clinical si gnificance because it does not diverge from the splice site consensus sequence a nd computational tools do not predict an impact to splicing. In addition, an ade nine (A) at this nucleotide position has been seen in several mammals including primates (marmoset, baboon, tree shrew).

NM_194248.3(OTOF):c.1205+3G>A

Gene: OTOF (otoferlin; minus strand). Cytogenetic location: 2p23.3.
Variant type: single nucleotide variant.
Coding change: c.1205+3G>A on transcript NM_194248.3 (MANE Select); 3 bases into the intron after coding-DNA position 1205, G replaced by A.
Molecular consequence: intron variant.
Genome position (GRCh38, 1-based): chr2:26,484,471, C>T on the plus strand (G>A on the coding strand, the complement: OTOF is on the minus strand). VCF-style: chr2-26484471-C-T. GRCh37 (hg19) VCF-style: chr2-26707339-C-T.
Other names: c.1205+3G>A (NM_001287489.2).
Identifiers: ClinVar variation 164874 (VCV000164874.5), dbSNP rs727503360, ClinGen allele CA177565.